The following is an entry in ClinVar:

ClinVar aggregate classification (germline): Uncertain significance (1 of 4 stars; one submission).

Conditions:
Reticular dysgenesis. Also called: ALEUKOCYTOSIS; CONGENITAL ALEUKIA; HEMATOPOIETIC HYPOPLASIA, GENERALIZED; RETICULAR DYSGENESIA; SEVERE COMBINED IMMUNODEFICIENCY WITH LEUKOPENIA; DeVaal disease. Identifiers: Orphanet 33355, MedGen C0272167, MONDO:0009973, OMIM 267500.

Allele frequency attached by ClinVar (database versions not stated): TOPMed below 0.00001; gnomAD 0.00001; gnomAD exomes 0.00001.

Submission:

Labcorp Genetics (formerly Invitae), Labcorp
Classification: Uncertain significance for Reticular dysgenesis. Last evaluated: 2024-10-16. Review status: criteria provided, single submitter. Criteria: Invitae Variant Classification Sherloc (09022015). Collection method: clinical testing. Allele origin: germline.
Comment: This sequence change replaces arginine, which is basic and polar, with glutamine, which is neutral and polar, at codon 137 of the AK2 protein (p.Arg137Gln). This variant is present in population databases (no rsID available, gnomAD 0.003%). This variant has not been reported in the literature in individuals affected with AK2-related conditions. ClinVar contains an entry for this variant (Variation ID: 1516639). An algorithm developed to predict the effect of missense changes on protein structure and function (PolyPhen-2) suggests that this variant is likely to be tolerated. In summary, the available evidence is currently insufficient to determine the role of this variant in disease. Therefore, it has been classified as a Variant of Uncertain Significance.

NM_001625.4(AK2):c.410G>A (p.Arg137Gln)

Gene: AK2 (adenylate kinase 2; minus strand). Cytogenetic location: 1p35.1.
Variant type: single nucleotide variant.
Coding change: c.410G>A on transcript NM_001625.4 (MANE Select); coding-DNA position 410, G replaced by A.
Protein change: p.Arg137Gln; replaces arginine 137 with glutamine.
Molecular consequence: missense variant. On other transcripts: intron variant (2).
Genome position (GRCh38, 1-based): chr1:33,021,382, C>T on the plus strand (G>A on the coding strand, the complement: AK2 is on the minus strand). VCF-style: chr1-33021382-C-T. GRCh37 (hg19) VCF-style: chr1-33486983-C-T.
Other names: c.266G>A, p.Arg89Gln (NM_001319139.3, NM_001319140.2); c.410G>A, p.Arg137Gln (NM_001319141.3, NM_013411.5); c.284G>A, p.Arg95Gln (NM_001319142.3); c.330+211G>A (NM_001319143.2); c.401+9G>A (NM_001199199.3); short protein forms R89Q, R137Q, R95Q.
Identifiers: ClinVar variation 1516639 (VCV001516639.8), dbSNP rs1167260548, ClinGen allele CA339701970.